The following is an entry in ClinVar:

NM_007294.4(BRCA1):c.3270A>G (p.Gln1090=)

Genes: BRCA1 (BRCA1 DNA repair associated; minus strand), LOC126862571 (BRD4-independent group 4 enhancer GRCh37_chr17:41243136-41244335; plus strand). Cytogenetic location: 17q21.31.
Variant type: single nucleotide variant.
Coding change: c.3270A>G on transcript NM_007294.4 (MANE Select); coding-DNA position 3270, A replaced by G.
Protein change: p.Gln1090=; no amino-acid change (glutamine 1090 retained).
Molecular consequence: synonymous variant. On other transcripts: intron variant (137).
Genome position (GRCh38, 1-based): chr17:43,092,261, T>C on the plus strand (A>G on the coding strand, the complement: BRCA1 is on the minus strand). VCF-style: chr17-43092261-T-C. GRCh37 (hg19) VCF-style: chr17-41244278-T-C.
Other names: c.3057A>G, p.Gln1019= (NM_001407896.1, NM_001407897.1, NM_001407898.1 and 9 more transcripts); c.3060A>G, p.Gln1020= (NM_001407900.1, NM_001407902.1, NM_001407904.1 and 13 more transcripts); c.3147A>G, p.Gln1049= (NM_001407919.1, NM_001407937.1, NM_001407938.1 and 19 more transcripts); c.3006A>G, p.Gln1002= (NM_001407920.1, NM_001407921.1, NM_001407922.1 and 9 more transcripts); c.3003A>G, p.Gln1001= (NM_001407930.1, NM_001407931.1, NM_001407932.1 and 2 more transcripts); c.3144A>G, p.Gln1048= (NM_001407940.1, NM_001407941.1, NM_001407649.1 and 11 more transcripts); c.3129A>G, p.Gln1043= (NM_001407942.1, NM_001407944.1, NM_001407945.1 and 29 more transcripts); c.3126A>G, p.Gln1042= (NM_001407943.1, NM_001407964.1, NM_001407740.1 and 20 more transcripts); and 41 more.
Identifiers: ClinVar variation 187419 (VCV000187419.24), dbSNP rs369925993, ClinGen allele CA002113.

ClinVar aggregate classification (germline): Likely benign. Review status: reviewed by expert panel (3 of 4 stars). 8 submissions from 8 submitters: Likely benign (1). 7 of the submissions do not count toward it. Last evaluated 2017-06-29.

Conditions:
Hereditary breast ovarian cancer syndrome. Also called: Hereditary breast and ovarian cancer syndrome; Hereditary breast and ovarian cancer syndrome (HBOC); BRCA1- and BRCA2-Associated Hereditary Breast and Ovarian Cancer; Breast and ovarian cancer; Hereditary breast and ovarian cancer; Hereditary breast and/or ovarian cancer syndrome. Identifiers: Orphanet 145, MedGen C0677776, MeSH D061325, MONDO:0003582. Disease mechanism: loss of function.
Hereditary cancer-predisposing syndrome. Also called: Hereditary Cancer Syndrome; Hereditary neoplastic syndrome; Tumor predisposition; Neoplastic Syndromes, Hereditary. Identifiers: Orphanet 140162, MedGen C0027672, MeSH D009386, MONDO:0015356.
Breast-ovarian cancer, familial, susceptibility to, 1 (BROVCA1). Also called: OVARIAN CANCER, SUSCEPTIBILITY TO; BRCA1 Hereditary Breast and Ovarian Cancer. Identifiers: Orphanet 145, MedGen C2676676, MONDO:0011450, OMIM 604370. Disease mechanism: loss of function.

Allele frequency attached by ClinVar (database versions not stated): TOPMed 0.00002.
gnomAD v4.1: 23 of 1,613,676 alleles (0.0014%); highest among the groups gnomAD compares: Non-Finnish European, 0.0019%; no homozygotes.

Submissions (8):

Evidence-based Network for the Interpretation of Germline Mutant Alleles (ENIGMA)
Classification: Likely benign for Breast-ovarian cancer, familial, susceptibility to, 1. Last evaluated: 2017-06-29. Review status: reviewed by expert panel. Criteria: ENIGMA BRCA1/2 Classification Criteria (2017-06-29). Collection method: curation. Allele origin: germline.
Comment: Synonymous substitution variant, with low bioinformatic likelihood to result in a splicing aberration (Splicing prior probability 0.02).

Labcorp Genetics (formerly Invitae), Labcorp
Classification: Likely benign for Hereditary breast ovarian cancer syndrome. Last evaluated: 2025-12-29. Review status: criteria provided, single submitter. Criteria: Invitae Variant Classification Sherloc (09022015). Collection method: clinical testing. Allele origin: germline. Not counted in ClinVar's aggregate classification.

All of Us Research Program, National Institutes of Health
Classification: Likely benign for Breast-ovarian cancer, familial, susceptibility to, 1. Last evaluated: 2023-10-02. Review status: criteria provided, single submitter. Criteria: ACMG Guidelines, 2015. Collection method: clinical testing. Allele origin: germline. Inheritance: Autosomal dominant inheritance. Observed: 6 variant alleles, 6 heterozygotes. Not counted in ClinVar's aggregate classification.
Comment: This study involves interpretation of variants in research participants for the purpose of population health screening. Participant phenotype was not available at the time of variant classification. Additional details can be found in publication PMID: 35346344, PMCID: PMC8962531

Quest Diagnostics Nichols Institute San Juan Capistrano
Classification: Likely benign. Last evaluated: 2020-12-10. Review status: criteria provided, single submitter. Criteria: Quest Diagnostics criteria. Collection method: clinical testing. Allele origin: unknown. Not counted in ClinVar's aggregate classification.

Women's Health and Genetics/Laboratory Corporation of America, LabCorp
Classification: Likely benign. Last evaluated: 2019-08-21. Review status: criteria provided, single submitter. Criteria: LabCorp Variant Classification Summary - May 2015. Collection method: clinical testing. Allele origin: germline. Not counted in ClinVar's aggregate classification.

Color Diagnostics, LLC DBA Color Health
Classification: Likely benign for Hereditary cancer-predisposing syndrome. Last evaluated: 2017-12-19. Review status: criteria provided, single submitter. Criteria: ACMG Guidelines, 2015. Collection method: clinical testing. Allele origin: germline. Not counted in ClinVar's aggregate classification.

GeneDx
Classification: Likely benign. Last evaluated: 2017-12-05. Review status: criteria provided, single submitter. Criteria: GeneDx Variant Classification (06012015). Collection method: clinical testing. Allele origin: germline. Affected: yes. Not counted in ClinVar's aggregate classification.
Comment: This variant is considered likely benign or benign based on one or more of the following criteria: it is a conservative change, it occurs at a poorly conserved position in the protein, it is predicted to be benign by multiple in silico algorithms, and/or has population frequency not consistent with disease.

Ambry Genetics
Classification: Likely benign for Hereditary cancer-predisposing syndrome. Last evaluated: 2014-12-08. Review status: criteria provided, single submitter. Criteria: Ambry Variant Classification Scheme 2023. Collection method: clinical testing. Allele origin: germline. Not counted in ClinVar's aggregate classification.

Literature cited by the submitters: PubMed 16267036 (cited by Quest Diagnostics Nichols Institute San Juan Capistrano).